The following is an entry in ClinVar:

NM_004415.4(DSP):c.5828del (p.Arg1943fs)

Gene: DSP (desmoplakin; plus strand). Cytogenetic location: 6p24.3.
Variant type: Deletion.
Coding change: c.5828del on transcript NM_004415.4 (MANE Select); coding-DNA position 5828, one base deleted (G; older notation c.5828delG).
Protein change: p.Arg1943fs; shifts the reading frame from arginine 1943.
Molecular consequence: frameshift variant.
Genome position (GRCh38, 1-based): chr6:7,583,090, G deleted. VCF-style (leftmost placement, unchanged base first): chr6-7583089-AG-A. GRCh37 (hg19) VCF-style: chr6-7583322-AG-A.
Other names: c.4031del, p.Arg1344fs (NM_001008844.3); c.4499del, p.Arg1500fs (NM_001319034.2); short protein forms R1344fs, R1500fs, R1943fs.
Identifiers: ClinVar variation 4291136 (VCV004291136.1).
Genomic context (GRCh38, chr6:7,583,089, plus strand): 5'-GAGACACAGTCACAGTTAGAAACAGAACGCTCCCGATATCAGAGGGAGATTGATAAACTC[AG>A]ACAGCGCCCATATGGGTCCCATCGAGAGACCCAGACTGAGTGTGAGTGGACCGTTGACAC-3'

ClinVar aggregate classification (germline): Likely pathogenic (1 of 4 stars; one submission).

Conditions:
Arrhythmogenic right ventricular cardiomyopathy (ARVD). Also called: Arrhythmogenic right ventricular dysplasia; Cardiomyopathy, ARVC; Arrhythmogenic cardiomyopathy; Arrhythmogenic Right Ventricular Cardiomyopathy (ARVC). Identifiers: Orphanet 247, MedGen C0349788, MeSH D019571, MONDO:0016587. Disease mechanism: loss of function. Inheritance: Various modes of inheritance.

Submission:

Clinical Genetics Laboratory, Skane University Hospital Lund
Classification: Likely pathogenic for Arrhythmogenic right ventricular cardiomyopathy. Last evaluated: 2025-10-23. Review status: criteria provided, single submitter. Criteria: ACMG Guidelines, 2015. Collection method: clinical testing. Allele origin: germline. Affected: yes.
Comment: ACMG criterias used: PVS1_strong and PM2